The following is an entry in ClinVar:

NM_002336.3(LRP6):c.2010T>A (p.Asp670Glu)

Gene: LRP6 (LDL receptor related protein 6; minus strand). Cytogenetic location: 12p13.2.
Variant type: single nucleotide variant.
Coding change: c.2010T>A on transcript NM_002336.3 (MANE Select); coding-DNA position 2010, T replaced by A.
Protein change: p.Asp670Glu; replaces aspartic acid 670 with glutamic acid.
Molecular consequence: missense variant. On other transcripts: non-coding transcript variant (1), intron variant (1).
Genome position (GRCh38, 1-based): chr12:12,164,315, A>T on the plus strand (T>A on the coding strand, the complement: LRP6 is on the minus strand). VCF-style: chr12-12164315-A-T. GRCh37 (hg19) VCF-style: chr12-12317249-A-T.
Other names: c.2010T>A, p.Asp670Glu (NM_001414244.1, NM_001414245.1, NM_001414246.1 and 4 more transcripts); c.1812T>A, p.Asp604Glu (NM_001414247.1); c.1557T>A, p.Asp519Glu (NM_001414252.1, NM_001414253.1, NM_001414254.1); c.1546-1896T>A (NM_001414255.1); short protein forms D519E, D604E, D670E.
Identifiers: ClinVar variation 3120319 (VCV003120319.2), dbSNP rs370529299, ClinGen allele CA6455557.
Genomic context (GRCh38, chr12:12,164,315, plus strand): 5'-TCCAATTCTTTTGCTAACCTTGAGTGATATATCAGTCCAATAAATTCGGTTGTCTGTCAC[A>T]TCAAAATCCAAAGCAGAAGCTTCTTTGACACCAGTGAGTGGAATAGCCACATTATTATTG-3'
Protein context (NP_002327.2, residues 660-680): GVKEASALDF[Asp670Glu]VTDNRIYWTD

ClinVar aggregate classification (germline): Uncertain significance. Review status: criteria provided, multiple submitters, no conflicts (2 of 4 stars). 2 submissions from 2 submitters: Uncertain significance (2). Last evaluated 2025-06-18.

Conditions:
Inborn genetic diseases. Identifiers: MedGen C0950123, MeSH D030342.

Allele frequency attached by ClinVar (database versions not stated): gnomAD exomes 0.00001; ExAC 0.00002; gnomAD 0.00005; ESP Exome Variant Server 0.00008; TOPMed 0.00008; 1000 Genomes Project 30x 0.00016; 1000 Genomes Project 0.00020.
gnomAD v4.1: 30 of 1,614,172 alleles (0.0019%); highest among the groups gnomAD compares: African/African-American, 0.037%; no homozygotes.

Submissions (2):

Labcorp Genetics (formerly Invitae), Labcorp
Classification: Uncertain significance. Last evaluated: 2025-06-18. Review status: criteria provided, single submitter. Criteria: Invitae Variant Classification Sherloc (09022015). Collection method: clinical testing. Allele origin: germline.
Comment: This sequence change replaces aspartic acid, which is acidic and polar, with glutamic acid, which is acidic and polar, at codon 670 of the LRP6 protein (p.Asp670Glu). This variant is present in population databases (rs370529299, gnomAD 0.03%). This variant has not been reported in the literature in individuals affected with LRP6-related conditions. ClinVar contains an entry for this variant (Variation ID: 3120319). Invitae Evidence Modeling of protein sequence and biophysical properties (such as structural, functional, and spatial information, amino acid conservation, physicochemical variation, residue mobility, and thermodynamic stability) has been performed for this missense variant. However, the output from this modeling did not meet the statistical confidence thresholds required to predict the impact of this variant on LRP6 protein function. In summary, the available evidence is currently insufficient to determine the role of this variant in disease. Therefore, it has been classified as a Variant of Uncertain Significance.

Ambry Genetics
Classification: Uncertain significance for Inborn genetic diseases. Last evaluated: 2023-10-20. Review status: criteria provided, single submitter. Criteria: Ambry Variant Classification Scheme 2023. Collection method: clinical testing. Allele origin: germline.